The following is an entry in ClinVar:

NM_018249.6(CDK5RAP2):c.3148+5G>C

Gene: CDK5RAP2 (CDK5 regulatory subunit associated protein 2; minus strand). Cytogenetic location: 9q33.2.
Variant type: single nucleotide variant.
Coding change: c.3148+5G>C on transcript NM_018249.6 (MANE Select); 5 bases into the intron after coding-DNA position 3148, G replaced by C.
Molecular consequence: intron variant.
Genome position (GRCh38, 1-based): chr9:120,443,615, C>G on the plus strand (G>C on the coding strand, the complement: CDK5RAP2 is on the minus strand). VCF-style: chr9-120443615-C-G. GRCh37 (hg19) VCF-style: chr9-123205893-C-G.
Other names: c.2458+5G>C (NM_001272039.2); c.3148+5G>C (NM_001011649.3).
Identifiers: ClinVar variation 2000641 (VCV002000641.4), dbSNP rs2539054819, ClinGen allele CA2580079487.

ClinVar aggregate classification (germline): Uncertain significance (1 of 4 stars; one submission).

Submission:

Labcorp Genetics (formerly Invitae), Labcorp
Classification: Uncertain significance. Last evaluated: 2022-10-08. Review status: criteria provided, single submitter. Criteria: Invitae Variant Classification Sherloc (09022015). Collection method: clinical testing. Allele origin: germline.
Comment: In summary, the available evidence is currently insufficient to determine the role of this variant in disease. Therefore, it has been classified as a Variant of Uncertain Significance. Variants that disrupt the consensus splice site are a relatively common cause of aberrant splicing (PMID: 17576681, 9536098). Algorithms developed to predict the effect of sequence changes on RNA splicing suggest that this variant may disrupt the consensus splice site. This variant has not been reported in the literature in individuals affected with CDK5RAP2-related conditions. This sequence change falls in intron 23 of the CDK5RAP2 gene. It does not directly change the encoded amino acid sequence of the CDK5RAP2 protein. It affects a nucleotide within the consensus splice site. This variant is not present in population databases (gnomAD no frequency).

Literature cited by the submitters: PubMed 17576681; PubMed 9536098.